The following is an entry in ClinVar:

NM_024685.4(BBS10):c.1859A>C (p.Lys620Thr)

Gene: BBS10 (Bardet-Biedl syndrome 10; minus strand). Cytogenetic location: 12q21.2.
Variant type: single nucleotide variant.
Coding change: c.1859A>C on transcript NM_024685.4 (MANE Select); coding-DNA position 1859, A replaced by C.
Protein change: p.Lys620Thr; replaces lysine 620 with threonine.
Molecular consequence: missense variant.
Genome position (GRCh38, 1-based): chr12:76,346,126, T>G on the plus strand (A>C on the coding strand, the complement: BBS10 is on the minus strand). VCF-style: chr12-76346126-T-G. GRCh37 (hg19) VCF-style: chr12-76739906-T-G.
Other names: short protein forms K620T.
Identifiers: ClinVar variation 3344828 (VCV003344828.1).

ClinVar aggregate classification (germline): Uncertain significance (0 of 4 stars; one submission).

Conditions:
BBS10-related disorder. Also called: BBS10-related condition.

Submission:

PreventionGenetics, part of Exact Sciences
Classification: Uncertain significance for BBS10-related condition. Last evaluated: 2024-04-10. Review status: no assertion criteria provided. Collection method: clinical testing. Allele origin: germline.
Comment: The BBS10 c.1859A>C variant is predicted to result in the amino acid substitution p.Lys620Thr. To our knowledge, this variant has not been reported in the literature. This variant is reported in 0.00089% of alleles in individuals of European (non-Finnish) descent in gnomAD. At this time, the clinical significance of this variant is uncertain due to the absence of conclusive functional and genetic evidence.